The following is an entry in ClinVar:

NM_133642.5(LARGE1):c.893-235T>G

Gene: LARGE1 (LARGE xylosyl- and glucuronyltransferase 1; minus strand). Cytogenetic location: 22q12.3.
Variant type: single nucleotide variant.
Coding change: c.893-235T>G on transcript NM_133642.5 (MANE Select); 235 bases into the intron before coding-DNA position 893, T replaced by G.
Molecular consequence: intron variant.
Genome position (GRCh38, 1-based): chr22:33,384,539, A>C on the plus strand (T>G on the coding strand, the complement: LARGE1 is on the minus strand). VCF-style: chr22-33384539-A-C. GRCh37 (hg19) VCF-style: chr22-33780525-A-C.
Other names: c.893-235T>G (NM_001362953.2, NM_001362949.2, NM_001378627.1 and 7 more transcripts); c.290-235T>G (NM_001378631.1, NM_001378630.1).
Identifiers: ClinVar variation 683027 (VCV000683027.2), dbSNP rs76972817, ClinGen allele CA323721555.

ClinVar aggregate classification (germline): Benign. Review status: criteria provided, multiple submitters, no conflicts (2 of 4 stars). 2 submissions from 2 submitters: Benign (2). Last evaluated 2018-06-18.

Allele frequency attached by ClinVar (database versions not stated): 1000 Genomes Project 0.10024; TOPMed 0.10358; 1000 Genomes Project 30x 0.10540; gnomAD 0.11217 and 0.11531.
gnomAD v4.1: 14,476 of 129,456 alleles (11%); highest among the groups gnomAD compares: African/African-American, 23%; 1,898 homozygotes.

Submissions (2):

GeneDx
Classification: Benign. Last evaluated: 2018-06-18. Review status: criteria provided, single submitter. Criteria: GeneDx Variant Classification (06012015). Collection method: clinical testing. Allele origin: germline. Affected: yes.
Comment: This variant is considered likely benign or benign based on one or more of the following criteria: it is a conservative change, it occurs at a poorly conserved position in the protein, it is predicted to be benign by multiple in silico algorithms, and/or has population frequency not consistent with disease.

Breakthrough Genomics
Classification: Benign. Review status: criteria provided, single submitter. Criteria: ACMG Guidelines, 2015. Collection method: not provided. Allele origin: germline. Inheritance: Autosomal recessive inheritance. Affected: yes.